The following is an entry in ClinVar:

ClinVar aggregate classification (germline): Likely benign. Review status: criteria provided, multiple submitters, no conflicts (2 of 4 stars). 3 submissions from 3 submitters: Likely benign (3). Last evaluated 2024-09-08.

Conditions:
RYR1-related disorder. Also called: RYR1-related disorders; RYR1-related condition. Identifiers: MedGen CN239331.
Malignant hyperthermia, susceptibility to, 1 (MHS1). Also called: Malignant hyperthermia suceptibility 1; Anesthesia related hyperthermia; Malignant hyperpyrexia; Fulminating hyperpyrexia; Pharmacogenic myopathy; RYR1-Related Malignant Hyperthermia Susceptibility. Identifiers: Orphanet 423, MedGen C2930980, MONDO:0007783, OMIM 145600.

Allele frequency attached by ClinVar (database versions not stated): gnomAD exomes below 0.00001.
gnomAD v4.1: 26 of 1,613,814 alleles (0.0016%); highest among the groups gnomAD compares: Non-Finnish European, 0.0021%; no homozygotes.

Submissions (3):

Labcorp Genetics (formerly Invitae), Labcorp
Classification: Likely benign for RYR1-related disorder. Last evaluated: 2024-09-08. Review status: criteria provided, single submitter. Criteria: Invitae Variant Classification Sherloc (09022015). Collection method: clinical testing. Allele origin: germline.

All of Us Research Program, National Institutes of Health
Classification: Likely benign for Malignant hyperthermia, susceptibility to, 1. Last evaluated: 2024-08-13. Review status: criteria provided, single submitter. Criteria: ACMG Guidelines, 2015. Collection method: clinical testing. Allele origin: germline. Inheritance: Autosomal dominant inheritance. Observed: 3 variant alleles, 3 heterozygotes.
Comment: This study involves interpretation of variants in research participants for the purpose of population health screening. Participant phenotype was not available at the time of variant classification. Additional details can be found in publication PMID: 35346344, PMCID: PMC8962531

Color Diagnostics, LLC DBA Color Health
Classification: Likely benign for Malignant hyperthermia, susceptibility to, 1. Last evaluated: 2022-04-29. Review status: criteria provided, single submitter. Criteria: ACMG Guidelines, 2015. Collection method: clinical testing. Allele origin: germline.

NM_000540.3(RYR1):c.14085C>T (p.Asp4695=)

Gene: RYR1 (ryanodine receptor 1; plus strand). Cytogenetic location: 19q13.2.
Variant type: single nucleotide variant.
Coding change: c.14085C>T on transcript NM_000540.3 (MANE Select); coding-DNA position 14085, C replaced by T.
Protein change: p.Asp4695=; no amino-acid change (aspartic acid 4695 retained).
Molecular consequence: synonymous variant.
Genome position (GRCh38, 1-based): chr19:38,573,263, C>T. VCF-style: chr19-38573263-C-T. GRCh37 (hg19) VCF-style: chr19-39063903-C-T.
Other names: c.14070C>T, p.Asp4690= (NM_001042723.2).
Identifiers: ClinVar variation 1564458 (VCV001564458.10), dbSNP rs1248688892, ClinGen allele CA507245171.